The following is an entry in ClinVar:

NM_006092.4(NOD1):c.2285+112G>A

Gene: NOD1 (nucleotide binding oligomerization domain containing 1; minus strand). Cytogenetic location: 7p14.3.
Variant type: single nucleotide variant.
Coding change: c.2285+112G>A on transcript NM_006092.4 (MANE Select); 112 bases into the intron after coding-DNA position 2285, G replaced by A.
Molecular consequence: intron variant.
Genome position (GRCh38, 1-based): chr7:30,448,186, C>T on the plus strand (G>A on the coding strand, the complement: NOD1 is on the minus strand). VCF-style: chr7-30448186-C-T. GRCh37 (hg19) VCF-style: chr7-30487802-C-T.
Other names: c.2285+112G>A (NM_001354849.2).
Identifiers: ClinVar variation 103096 (VCV000103096.2), dbSNP rs199476268, ClinGen allele CA230113.

ClinVar aggregate classification (germline): not provided (0 of 4 stars; one submission).

Allele frequency attached by ClinVar (database versions not stated): gnomAD 0.00001.

Submission:

Human Evolutionary Genetics, Institut Pasteur
No classification provided. Review status: no classification provided. Collection method: not provided. Allele origin: germline.
ClinVar note: Converted during submission from untested to not provided.